The following is an entry in ClinVar:

NM_021008.4(DEAF1):c.541C>G (p.Leu181Val)

Gene: DEAF1 (DEAF1 transcription factor; minus strand). Cytogenetic location: 11p15.5.
Variant type: single nucleotide variant.
Coding change: c.541C>G on transcript NM_021008.4 (MANE Select); coding-DNA position 541, C replaced by G.
Protein change: p.Leu181Val; replaces leucine 181 with valine.
Molecular consequence: missense variant. On other transcripts: 5 prime UTR variant (4).
Genome position (GRCh38, 1-based): chr11:688,034, G>C on the plus strand (C>G on the coding strand, the complement: DEAF1 is on the minus strand). VCF-style: chr11-688034-G-C. GRCh37 (hg19) VCF-style: chr11-688034-G-C.
Other names: c.541C>G, p.Leu181Val (NM_001293634.2, NM_001440883.1, NM_001440884.1); c.-186C>G (NM_001367390.1, NM_001440885.1, NM_001440886.1 and 1 more transcripts); short protein forms L181V.
Identifiers: ClinVar variation 4880875 (VCV004880875.2).
Genomic context (GRCh38, chr11:688,034, plus strand): 5'-TGTCGTACACAGAAGGGTCCCAGTTGTATTTAGTTCCACCTTTTTCTTGGCCGGGAGCCA[G>C]AGGGGTTGGAGGAGACTGAGGACCTTGGGCAGAGAAAGTGTTTGAAGGTGAGAGGCCGGA-3'
Protein context (NP_066288.2, residues 171-191): TPGPQSPPTP[Leu181Val]APGQEKGGTK

ClinVar aggregate classification (germline): Uncertain significance (1 of 4 stars; one submission).

Submission:

Dasa
Classification: Uncertain significance. Last evaluated: 2024-12-02. Review status: criteria provided, single submitter. Criteria: DASA Assertion Criteria. Collection method: clinical testing. Allele origin: germline.
Comment: NM_021008.4(DEAF1):c.541C>G (p.Leu181Val) is a missense variant that results in the substitution of leucine with valine. This variant is absent from population databases. Computational prediction algorithms are consistent with a benign effect. The currently available literature and clinical evidence are not sufficient to establish a definitive association between this variant and the reported condition. Therefore, this variant is classified as a variant of uncertain significance.